The following is an entry in ClinVar:

NM_152618.3(BBS12):c.1571A>G (p.Tyr524Cys)

Gene: BBS12 (Bardet-Biedl syndrome 12; plus strand). Cytogenetic location: 4q27.
Variant type: single nucleotide variant.
Coding change: c.1571A>G on transcript NM_152618.3 (MANE Select); coding-DNA position 1571, A replaced by G.
Protein change: p.Tyr524Cys; replaces tyrosine 524 with cysteine.
Molecular consequence: missense variant.
Genome position (GRCh38, 1-based): chr4:122,743,463, A>G. VCF-style: chr4-122743463-A-G. GRCh37 (hg19) VCF-style: chr4-123664618-A-G.
Other names: c.1571A>G, p.Tyr524Cys (NM_001178007.2); short protein forms Y524C.
Identifiers: ClinVar variation 553346 (VCV000553346.5), dbSNP rs770746493, ClinGen allele CA3069476.
Genomic context (GRCh38, chr4:122,743,463, plus strand): 5'-TCACTAACCCAGTTACTGCACAGATGCAAATCAAAGAAGATAGGTTCTGGACATGTGCCT[A>G]TCGTTTGTATTATGCTCTAAAAGAGGAAAAGGTCTTCCTTGGAGGTGGTGCAGTTGAATT-3'
Protein context (NP_689831.2, residues 514-534): IKEDRFWTCA[Tyr524Cys]RLYYALKEEK

ClinVar aggregate classification (germline): Uncertain significance. Review status: criteria provided, multiple submitters, no conflicts (2 of 4 stars). 3 submissions from 3 submitters: Uncertain significance (2). 1 of the submissions does not count toward it. Last evaluated 2025-04-08.

Conditions:
BBS12-related disorder. Also called: BBS12-related condition.
Bardet-Biedl syndrome 12 (BBS12). Identifiers: Orphanet 110, MedGen C1859570, MONDO:0014440, OMIM 615989.
Bardet-Biedl syndrome (BBS). Identifiers: Orphanet 110, MedGen C0752166, MONDO:0015229.

Allele frequency attached by ClinVar (database versions not stated): ExAC 0.00001; gnomAD 0.00001; gnomAD exomes 0.00001 and 0.00003; TOPMed 0.00001.
gnomAD v4.1: 39 of 1,614,108 alleles (0.0024%); highest among the groups gnomAD compares: Non-Finnish European, 0.0032%; no homozygotes.

Submissions (3):

PreventionGenetics, part of Exact Sciences
Classification: Uncertain significance for BBS12-related condition. Last evaluated: 2025-04-08. Review status: criteria provided, single submitter. Criteria: ACMG Guidelines, 2015. Collection method: clinical testing. Allele origin: germline.
Comment: The BBS12 c.1571A>G variant is predicted to result in the amino acid substitution p.Tyr524Cys. This variant was reported in an individual with Bardet-Biedl syndrome who was also homozygous for a pathogenic frameshift variant in BBS2 (Hjortshøj et al. 2010. PubMed ID: 20120035). This variant is reported in 0.0026% of alleles in individuals of European (Non-Finnish) descent in gnomAD. At this time, the clinical significance of this variant is uncertain due to the absence of conclusive functional and genetic evidence.

Labcorp Genetics (formerly Invitae), Labcorp
Classification: Uncertain significance for Bardet-Biedl syndrome. Last evaluated: 2021-09-01. Review status: criteria provided, single submitter. Criteria: Invitae Variant Classification Sherloc (09022015). Collection method: clinical testing. Allele origin: germline.
Comment: This sequence change replaces tyrosine with cysteine at codon 524 of the BBS12 protein (p.Tyr524Cys). The tyrosine residue is highly conserved and there is a large physicochemical difference between tyrosine and cysteine. This variant is present in population databases (rs770746493, ExAC 0.001%). This missense change has been observed in individual(s) with Bardet-Biedl syndrome (PMID: 20120035). ClinVar contains an entry for this variant (Variation ID: 553346). Algorithms developed to predict the effect of missense changes on protein structure and function output the following: SIFT: "Deleterious"; PolyPhen-2: "Benign"; Align-GVGD: "Class C0". The cysteine amino acid residue is found in multiple mammalian species, which suggests that this missense change does not adversely affect protein function. In summary, the available evidence is currently insufficient to determine the role of this variant in disease. Therefore, it has been classified as a Variant of Uncertain Significance.

Counsyl
Classification: Uncertain significance for Bardet-Biedl syndrome 12. Last evaluated: 2017-08-23. Review status: no assertion criteria provided. Collection method: clinical testing. Allele origin: unknown. Not counted in ClinVar's aggregate classification.

Literature cited by the submitters: PubMed 20120035 (cited by Labcorp Genetics (formerly Invitae), Labcorp and Counsyl).